The following is an entry in ClinVar:

NM_001394998.1(TANC2):c.4927G>T (p.Gly1643Cys)

Gene: TANC2 (tetratricopeptide repeat, ankyrin repeat and coiled-coil containing 2; plus strand). Cytogenetic location: 17q23.3.
Variant type: single nucleotide variant.
Coding change: c.4927G>T on transcript NM_001394998.1 (MANE Select); coding-DNA position 4927, G replaced by T.
Protein change: p.Gly1643Cys; replaces glycine 1643 with cysteine.
Molecular consequence: missense variant.
Genome position (GRCh38, 1-based): chr17:63,420,657, G>T. VCF-style: chr17-63420657-G-T. GRCh37 (hg19) VCF-style: chr17-61498018-G-T.
Other names: c.4705G>T, p.Gly1569Cys (NM_001411076.1); c.4675G>T, p.Gly1559Cys (NM_025185.4); short protein forms G1559C, G1569C, G1643C.
Identifiers: ClinVar variation 2582199 (VCV002582199.2), dbSNP rs1314749864, ClinGen allele CA400543085.
Genomic context (GRCh38, chr17:63,420,657, plus strand): 5'-GGCCCTCAGTATCGGGCCAGCCCTCCAGCTGAAAGTATGAGTGTCTATAGATCCCAGTCT[G>T]GTTCACCCGTGCGCTATCAGCAGGAAACAAGCGTCAGTCAGCTTCCTGGCAGACCCAAAT-3'
Protein context (NP_001381927.1, residues 1633-1653): ESMSVYRSQS[Gly1643Cys]SPVRYQQETS

ClinVar aggregate classification (germline): Uncertain significance (1 of 4 stars; one submission).

Submission:

GeneDx
Classification: Uncertain significance. Last evaluated: 2024-10-28. Review status: criteria provided, single submitter. Criteria: GeneDx Variant Classification Process June 2021. Collection method: clinical testing. Allele origin: germline. Affected: yes.
Comment: Not observed at significant frequency in large population cohorts (gnomAD); In silico analysis supports that this missense variant has a deleterious effect on protein structure/function; Has not been previously published as pathogenic or benign to our knowledge